The following is an entry in ClinVar:

ClinVar aggregate classification (germline): Pathogenic (1 of 4 stars; one submission).

Conditions:
Joubert syndrome. Also called: Familial aplasia of the vermis; CEREBELLOPARENCHYMAL DISORDER IV; JOUBERT-BOLTSHAUSER SYNDROME. Identifiers: Orphanet 475, MedGen C5979921, MONDO:0018772.

Allele frequency attached by ClinVar (database versions not stated): gnomAD exomes below 0.00001.

Submission:

Labcorp Genetics (formerly Invitae), Labcorp
Classification: Pathogenic for Joubert syndrome. Last evaluated: 2023-05-04. Review status: criteria provided, single submitter. Criteria: Invitae Variant Classification Sherloc (09022015). Collection method: clinical testing. Allele origin: germline.
Comment: This sequence change results in a frameshift in the INPP5E gene (p.Cys641Serfs*8). While this is not anticipated to result in nonsense mediated decay, it is expected to disrupt the last 4 amino acid(s) of the INPP5E protein and extend the protein by 3 additional amino acid residues. This variant is present in population databases (no rsID available, gnomAD 0.003%). This variant has not been reported in the literature in individuals affected with INPP5E-related conditions. ClinVar contains an entry for this variant (Variation ID: 581255). This variant disrupts a region of the INPP5E protein in which other variant(s) (p.Cys641Arg) have been determined to be pathogenic (PMID: 23386033). This suggests that this is a clinically significant region of the protein, and that variants that disrupt it are likely to be disease-causing. For these reasons, this variant has been classified as Pathogenic.

Literature cited by the submitters: PubMed 23386033.

NM_019892.6(INPP5E):c.1922del (p.Cys641fs)

Gene: INPP5E (inositol polyphosphate-5-phosphatase E; minus strand). Cytogenetic location: 9q34.3.
Variant type: Deletion.
Coding change: c.1922del on transcript NM_019892.6 (MANE Select); coding-DNA position 1922, one base deleted (G; older notation c.1922delG).
Protein change: p.Cys641fs; shifts the reading frame from cysteine 641.
Molecular consequence: frameshift variant.
Genome position (GRCh38, 1-based): chr9:136,429,688, C deleted on the plus strand (G on the coding strand, the reverse complement: INPP5E is on the minus strand). VCF-style (leftmost placement, unchanged base first): chr9-136429687-GC-G. GRCh37 (hg19) VCF-style: chr9-139324139-GC-G.
Other names: c.1919del, p.Cys640fs (NM_001318502.2); short protein forms C640fs, C641fs.
Identifiers: ClinVar variation 581255 (VCV000581255.9), dbSNP rs1431917892, ClinGen allele CA591183254.
Genomic context (GRCh38, chr9:136,429,687, plus strand): 5'-CAATACAATCACCCCACGTTGCAGCTGTGAGTCCTCGTTCAGCAAACTTCAAGAAACGGA[GC>G]AGATGGTGCTGGAGTTCTGACTCTGTAGTGCTTGCTGCCTCTGAATCTCCTTCGAAATCC-3'